The following is an entry in ClinVar:

NC_000005.9:g.(?_112102013)_(112103097_?)del

Gene: APC (APC regulator of Wnt signaling pathway; plus strand). Cytogenetic location: 5q22.2.
Variant type: Deletion.
Identifiers: ClinVar variation 1396719 (VCV001396719.6).

ClinVar aggregate classification (germline): Pathogenic (1 of 4 stars; one submission).

Conditions:
Familial adenomatous polyposis 1 (FAP1). Also called: FAMILIAL ADENOMATOUS POLYPOSIS 1, ATTENUATED; POLYPOSIS, ADENOMATOUS INTESTINAL. Identifiers: MedGen C2713442, MONDO:0021056, OMIM 175100. Disease mechanism: loss of function.

Submission:

Labcorp Genetics (formerly Invitae), Labcorp
Classification: Pathogenic for Familial adenomatous polyposis 1. Last evaluated: 2020-11-17. Review status: criteria provided, single submitter. Criteria: Invitae Variant Classification Sherloc (09022015). Collection method: clinical testing. Allele origin: germline.
Comment: This variant has not been reported in the literature in individuals with APC-related conditions. This variant is a gross deletion of the genomic region encompassing exon(s) 3-4 of the APC gene. This deletion is out-of-frame, and is expected to create a premature translational stop signal and result in an absent or disrupted protein product. Loss-of-function variants in APC are known to be pathogenic (PMID: 17963004, 20685668). For these reasons, this variant has been classified as Pathogenic.

Literature cited by the submitters: PubMed 17963004; PubMed 20685668.